The following is an entry in ClinVar:

ClinVar aggregate classification (germline): Likely benign (3 of 4 stars; one submission).

Conditions:
Hereditary thrombocytopenia and hematologic cancer predisposition syndrome. Identifiers: Orphanet 71290, MedGen CN281654, MONDO:0011071.

Allele frequency attached by ClinVar (database versions not stated): 1000 Genomes Project 30x 0.00016; TOPMed 0.00019.
gnomAD v4.1: 26 of 483,830 alleles (0.0054%); highest among the groups gnomAD compares: African/African-American, 0.049%; no homozygotes.

Submission:

ClinGen Myeloid Malignancy Variant Curation Expert Panel
Classification: Likely benign for Hereditary thrombocytopenia and hematologic cancer predisposition syndrome. Last evaluated: 2024-07-11. Review status: reviewed by expert panel. Criteria: ClinGen MyeloMalig ACMG Specifications v2. Collection method: curation. Allele origin: germline. Inheritance: Autosomal dominant inheritance.
Comment: The c.-60+5G>C variant (NM_001754.5) is a canonical splice site substitution in the 5' UTR of RUNX1. Because the variant is located in the 5' UTR, it is not expected to alter the amino acid sequence. However, the computational splicing predictor SpliceAI gives a Δ score of 0.62 for donor loss at c.-60 and 0.32 for acceptor loss at c.-59, predicting that the variant disrupts both the acceptor and donor splice sites of intron 1 of RUNX1 (SSF-like and MES do not predict an effect on the canonical acceptor splice site). As this variant represents c.-162051G>C in NM_001001890.3 (isoform B) and NM_001122607.2 (isoform A), meaning the effect is not the same across isoforms and is less detrimental in isoforms A and B, PVS1 would not apply per the MM-VCEP. Finally, the highest population minor allele frequency in gnomAD v3 is 0.001046 (9/8602 alleles) in the African/African American population, which is higher than the ClinGen MM-VCEP threshold of >0.00015 (BS1). The variant also has not been reported in patients who meet the RUNX1 phenotype criteria. In summary, this variant meets the criteria to be classified as likely benign for hereditary thrombocytopenia and hematologic cancer predisposition syndrome based on the ACMG/AMP criteria applied, as specified by the ClinGen MM-VCEP: BS1, PP3.

NM_001754.5(RUNX1):c.-60+5G>C

Gene: RUNX1 (RUNX family transcription factor 1; minus strand). Cytogenetic location: 21q22.12.
Variant type: single nucleotide variant.
Coding change: c.-60+5G>C on transcript NM_001754.5 (MANE Select); 5 bases into the intron after 60 bases upstream of the start codon, G replaced by C.
Molecular consequence: intron variant.
Genome position (GRCh38, 1-based): chr21:35,049,163, C>G on the plus strand (G>C on the coding strand, the complement: RUNX1 is on the minus strand). VCF-style: chr21-35049163-C-G. GRCh37 (hg19) VCF-style: chr21-36421460-C-G.
Other names: NM_001754.5:c.-60+5G>C.
Identifiers: ClinVar variation 3255389 (VCV003255389.2), dbSNP rs961720554.